The following is an entry in ClinVar:

NM_000441.2(SLC26A4):c.75G>C (p.Pro25=)

Genes: SLC26A4 (solute carrier family 26 member 4; plus strand), SLC26A4-AS1 (SLC26A4 antisense RNA 1; minus strand). Cytogenetic location: 7q22.3.
Variant type: single nucleotide variant.
Coding change: c.75G>C on transcript NM_000441.2 (MANE Select); coding-DNA position 75, G replaced by C.
Protein change: p.Pro25=; no amino-acid change (proline 25 retained).
Molecular consequence: synonymous variant. On other transcripts: non-coding transcript variant (1).
Genome position (GRCh38, 1-based): chr7:107,661,716, G>C. VCF-style: chr7-107661716-G-C. GRCh37 (hg19) VCF-style: chr7-107302161-G-C.
Identifiers: ClinVar variation 517424 (VCV000517424.14), dbSNP rs570668954, ClinGen allele CA164207241.
Genomic context (GRCh38, chr7:107,661,716, plus strand): 5'-CGGCAGGTCGGAGCCGCCGCAGCTCCCCGAGTACAGCTGCAGCTACATGGTGTCGCGGCC[G>C]GTCTACAGCGAGCTCGCTTTCCAGCAACAGCACGAGCGGCGCCTGCAGGAGCGCAAGACG-3'
Protein context (NP_000432.1, residues 15-35): EYSCSYMVSR[Pro25=]VYSELAFQQQ

ClinVar aggregate classification (germline): Likely benign. Review status: criteria provided, multiple submitters, no conflicts (2 of 4 stars). 2 submissions from 2 submitters: Likely benign (2). Last evaluated 2024-01-08.

Allele frequency attached by ClinVar (database versions not stated): 1000 Genomes Project 0.00020; 1000 Genomes Project 30x 0.00031.
gnomAD v4.1: 11 of 1,563,624 alleles (0.0007%); highest among the groups gnomAD compares: South Asian, 0.012%; no homozygotes.

Submissions (2):

Labcorp Genetics (formerly Invitae), Labcorp
Classification: Likely benign. Last evaluated: 2024-01-08. Review status: criteria provided, single submitter. Criteria: Invitae Variant Classification Sherloc (09022015). Collection method: clinical testing. Allele origin: germline.

Laboratory for Molecular Medicine, Mass General Brigham Personalized Medicine
Classification: Likely benign. Last evaluated: 2017-07-11. Review status: criteria provided, single submitter. Criteria: LMM Criteria. Collection method: clinical testing. Allele origin: germline. Observed: 1 variant allele.
Comment: p.Pro25Pro in exon 2 of SLC26A4: This variant is not expected to have clinical s ignificance because it does not alter an amino acid residue and is not located w ithin the splice consensus sequence. It has been identified in 1/24246 South Asi an chromosomes by the Genome Aggregation Database (gnomAD; dbSNP rs570668954).